The following is an entry in ClinVar:

NM_020738.4(KIDINS220):c.3347T>A (p.Val1116Glu)

Gene: KIDINS220 (kinase D interacting substrate 220; minus strand). Cytogenetic location: 2p25.1.
Variant type: single nucleotide variant.
Coding change: c.3347T>A on transcript NM_020738.4 (MANE Select); coding-DNA position 3347, T replaced by A.
Protein change: p.Val1116Glu; replaces valine 1116 with glutamic acid.
Molecular consequence: missense variant. On other transcripts: non-coding transcript variant (2).
Genome position (GRCh38, 1-based): chr2:8,750,179, A>T on the plus strand (T>A on the coding strand, the complement: KIDINS220 is on the minus strand). VCF-style: chr2-8750179-A-T. GRCh37 (hg19) VCF-style: chr2-8890309-A-T.
Other names: c.3350T>A, p.Val1117Glu (NM_001348729.2, NM_001348731.2, NM_001348734.2 and 2 more transcripts); c.3347T>A, p.Val1116Glu (NM_001348732.2, NM_001348735.2, NM_001348738.2 and 3 more transcripts); c.3221T>A, p.Val1074Glu (NM_001348736.2); c.3347T>A (NM_020738.2); short protein forms V1117E, V1116E, V1074E.
Identifiers: ClinVar variation 1906831 (VCV001906831.6), dbSNP rs752601543, ClinGen allele CA1519690.

ClinVar aggregate classification (germline): Conflicting classifications of pathogenicity. Review status: criteria provided, conflicting classifications (1 of 4 stars). 2 submissions from 2 submitters: Uncertain significance (1); Likely benign (1). Last evaluated 2024-12-02.

Conditions:
Inborn genetic diseases. Identifiers: MedGen C0950123, MeSH D030342.

Allele frequency attached by ClinVar (database versions not stated): TOPMed below 0.00001; gnomAD 0.00003; ExAC 0.00013.
gnomAD v4.1: 80 of 1,614,056 alleles (0.005%); highest among the groups gnomAD compares: South Asian, 0.087%; no homozygotes.

Submissions (2):

Labcorp Genetics (formerly Invitae), Labcorp
Classification: Uncertain significance. Last evaluated: 2024-12-02. Review status: criteria provided, single submitter. Criteria: Invitae Variant Classification Sherloc (09022015). Collection method: clinical testing. Allele origin: germline.
Comment: This sequence change replaces valine, which is neutral and non-polar, with glutamic acid, which is acidic and polar, at codon 1116 of the KIDINS220 protein (p.Val1116Glu). This variant is present in population databases (rs752601543, gnomAD 0.08%). This variant has not been reported in the literature in individuals affected with KIDINS220-related conditions. ClinVar contains an entry for this variant (Variation ID: 1906831). An algorithm developed to predict the effect of missense changes on protein structure and function (PolyPhen-2) suggests that this variant is likely to be tolerated. In summary, the available evidence is currently insufficient to determine the role of this variant in disease. Therefore, it has been classified as a Variant of Uncertain Significance.

Ambry Genetics
Classification: Likely benign for Inborn genetic diseases. Last evaluated: 2024-05-14. Review status: criteria provided, single submitter. Criteria: Ambry Variant Classification Scheme 2023. Collection method: clinical testing. Allele origin: germline.